The following is an entry in ClinVar:

ClinVar aggregate classification (germline): Uncertain significance (1 of 4 stars; one submission).

Conditions:
Neutral lipid storage myopathy (NLSDM). Also called: NEUTRAL LIPID STORAGE DISEASE WITHOUT ICHTHYOSIS. Identifiers: Orphanet 98908, MedGen C1853136, MONDO:0012545, OMIM 610717.

Submission:

Labcorp Genetics (formerly Invitae), Labcorp
Classification: Uncertain significance for Neutral lipid storage myopathy. Last evaluated: 2024-07-24. Review status: criteria provided, single submitter. Criteria: Invitae Variant Classification Sherloc (09022015). Collection method: clinical testing. Allele origin: germline.
Comment: This sequence change falls in intron 9 of the PNPLA2 gene. It does not directly change the encoded amino acid sequence of the PNPLA2 protein. It affects a nucleotide within the consensus splice site. This variant is present in population databases (no rsID available, gnomAD 0.02%). This variant has not been reported in the literature in individuals affected with PNPLA2-related conditions. Variants that disrupt the consensus splice site are a relatively common cause of aberrant splicing (PMID: 17576681, 9536098). Algorithms developed to predict the effect of sequence changes on RNA splicing suggest that this variant may disrupt the consensus splice site. In summary, the available evidence is currently insufficient to determine the role of this variant in disease. Therefore, it has been classified as a Variant of Uncertain Significance.

Literature cited by the submitters: PubMed 17576681; PubMed 9536098.

NM_020376.4(PNPLA2):c.1176-3C>G

Gene: PNPLA2 (patatin like domain 2, triacylglycerol lipase; plus strand). Cytogenetic location: 11p15.5.
Variant type: single nucleotide variant.
Coding change: c.1176-3C>G on transcript NM_020376.4 (MANE Select); 3 bases into the intron before coding-DNA position 1176, C replaced by G.
Molecular consequence: intron variant.
Genome position (GRCh38, 1-based): chr11:824,520, C>G. VCF-style: chr11-824520-C-G. GRCh37 (hg19) VCF-style: chr11-824520-C-G.
Identifiers: ClinVar variation 3730086 (VCV003730086.1).